The following is an entry in ClinVar:

ClinVar aggregate classification (germline): Pathogenic. Review status: reviewed by expert panel (3 of 4 stars). 3 submissions from 3 submitters: Pathogenic (1). 2 of the submissions do not count toward it. Last evaluated 2018-12-09.

Conditions:
Phenylketonuria (PKU). Also called: Phenylketonuria (PKU); FOLLING DISEASE; OLIGOPHRENIA PHENYLPYRUVICA; Phenylketonurias. Identifiers: Orphanet 716, MedGen C0031485, MONDO:0009861, OMIM 261600. Disease mechanism: loss of function.

Allele frequency attached by ClinVar (database versions not stated): TOPMed below 0.00001.

Submissions (3):

ClinGen PAH Variant Curation Expert Panel
Classification: Pathogenic for Phenylketonuria. Last evaluated: 2018-12-09. Review status: reviewed by expert panel. Criteria: ClinGen PAH ACMG Specifications v1. Collection method: curation. Allele origin: germline. Inheritance: Autosomal recessive inheritance.
Comment: The c.940C>T (p.Pro314Ser) variant in PAH is absent in population databases, and is in the same codon as two previously described Pathogenic/Likely pathogenic variants (p.Pro314His and p.Pro314Thr). It has been found in trans with a pathogenic variant (p.R408W) in a patient with PAH deficiency (BH4 defects excluded, PMID: 12501224). Functional studies showed it has 26% enzyme activity compared to wild type controls. PMID: 18590700. In summary, this variant meets criteria to be classified as pathogenic for PAH. PAH-specific ACMG/AMP criteria applied: PP4_Moderate, PS3, PM2, PM3, PM5.

Labcorp Genetics (formerly Invitae), Labcorp
Classification: Pathogenic for Phenylketonuria. Last evaluated: 2021-10-22. Review status: criteria provided, single submitter. Criteria: Invitae Variant Classification Sherloc (09022015). Collection method: clinical testing. Allele origin: germline. Not counted in ClinVar's aggregate classification.
Comment: This variant disrupts the p.Pro314 amino acid residue in PAH. Other variant(s) that disrupt this residue have been determined to be pathogenic (PMID: 24401910, 28982351, 29390883). This suggests that this residue is clinically significant, and that variants that disrupt this residue are likely to be disease-causing. For these reasons, this variant has been classified as Pathogenic. Experimental studies have shown that this missense change affects PAH function (PMID: 18538294). Advanced modeling of protein sequence and biophysical properties (such as structural, functional, and spatial information, amino acid conservation, physicochemical variation, residue mobility, and thermodynamic stability) performed at Invitae indicates that this missense variant is expected to disrupt PAH protein function. ClinVar contains an entry for this variant (Variation ID: 102905). This missense change has been observed in individual(s) with hyperphenylalaninemia (PMID: 12501224, 32668217). This variant is not present in population databases (ExAC no frequency). This sequence change replaces proline with serine at codon 314 of the PAH protein (p.Pro314Ser). The proline residue is highly conserved and there is a moderate physicochemical difference between proline and serine.

DeBelle Laboratory for Biochemical Genetics, MUHC/MCH RESEARCH INSTITUTE
No classification provided. Review status: no classification provided. Collection method: not provided. Allele origin: not provided. Not counted in ClinVar's aggregate classification.

Literature cited by the submitters: PubMed 24401910 (cited by Labcorp Genetics (formerly Invitae), Labcorp); PubMed 28982351 (cited by Labcorp Genetics (formerly Invitae), Labcorp); PubMed 29390883 (cited by Labcorp Genetics (formerly Invitae), Labcorp); PubMed 18538294 (cited by Labcorp Genetics (formerly Invitae), Labcorp); PubMed 12501224 (cited by Labcorp Genetics (formerly Invitae), Labcorp); PubMed 32668217 (cited by Labcorp Genetics (formerly Invitae), Labcorp).

NM_000277.3(PAH):c.940C>T (p.Pro314Ser)

Gene: PAH (phenylalanine hydroxylase; minus strand). Cytogenetic location: 12q23.2.
Variant type: single nucleotide variant.
Coding change: c.940C>T on transcript NM_000277.3 (MANE Select); coding-DNA position 940, C replaced by T.
Protein change: p.Pro314Ser; replaces proline 314 with serine.
Molecular consequence: missense variant.
Genome position (GRCh38, 1-based): chr12:102,846,924, G>A on the plus strand (C>T on the coding strand, the complement: PAH is on the minus strand). VCF-style: chr12-102846924-G-A. GRCh37 (hg19) VCF-style: chr12-103240702-G-A.
Other names: NM_000277.2(PAH):c.940C>T; c.940C>T, p.Pro314Ser (NM_001354304.2); short protein forms P314S.
Identifiers: ClinVar variation 102905 (VCV000102905.7), dbSNP rs199475650, ClinGen allele CA229865.
Genomic context (GRCh38, chr12:102,846,924, plus strand): 5'-CACCATCCACCCAGGGAGAGAAGGGACTTACTGTGGCGAGCTTTTCAATGTATTCATCAG[G>A]TGCACCCAGAGAGGCAAGGCCAATTTCCTGTAATTGGGGGAAAATAGAACCTGTTCTGTT-3'
Protein context (NP_000268.1, residues 304-324): QEIGLASLGA[Pro314Ser]DEYIEKLATI